The following is an entry in ClinVar:

NM_002067.5(GNA11):c.723G>C (p.Glu241Asp)

Gene: GNA11 (G protein subunit alpha 11; plus strand). Cytogenetic location: 19p13.3.
Variant type: single nucleotide variant.
Coding change: c.723G>C on transcript NM_002067.5 (MANE Select); coding-DNA position 723, G replaced by C.
Protein change: p.Glu241Asp; replaces glutamic acid 241 with aspartic acid.
Molecular consequence: missense variant.
Genome position (GRCh38, 1-based): chr19:3,119,041, G>C. VCF-style: chr19-3119041-G-C. GRCh37 (hg19) VCF-style: chr19-3119039-G-C.
Other names: short protein forms E241D.
Identifiers: ClinVar variation 4890876 (VCV004890876.1).
Genomic context (GRCh38, chr19:3,119,041, plus strand): 5'-GAACGTGACATCCATCATGTTTCTCGTCGCCCTCAGCGAATACGACCAAGTCCTGGTGGA[G>C]TCGGACAACGAGGTGGGCCCTGCCCTGAGCAGGGGCAGCGTTGGGGGCCGGGCCTTCCCC-3'
Protein context (NP_002058.2, residues 231-251): ALSEYDQVLV[Glu241Asp]SDNENRMEES

ClinVar aggregate classification (germline): Uncertain significance (1 of 4 stars; one submission).

Conditions:
Familial hypoparathyroidism. Also called: Familial isolated hypoparathyroidism. Identifiers: Orphanet 2238, MedGen C1832648, MONDO:0016390.

Submission:

Cambridge Genomics Laboratory, East Genomic Laboratory Hub, NHS Genomic Medicine Service
Classification: Uncertain significance for Familial hypoparathyroidism. Last evaluated: 2026-09-02. Review status: criteria provided, single submitter. Criteria: ACGS Best Practice Guidelines for Variant Classification in Rare Disease 2020. Collection method: clinical testing. Allele origin: germline. Affected: yes.
Comment: PM2,PP2